The following is an entry in ClinVar:

NM_006767.4(LZTR1):c.679T>A (p.Ser227Thr)

Gene: LZTR1 (leucine zipper like post translational regulator 1; plus strand). Cytogenetic location: 22q11.21.
Variant type: single nucleotide variant.
Coding change: c.679T>A on transcript NM_006767.4 (MANE Select); coding-DNA position 679, T replaced by A.
Protein change: p.Ser227Thr; replaces serine 227 with threonine.
Molecular consequence: missense variant.
Genome position (GRCh38, 1-based): chr22:20,990,413, T>A. VCF-style: chr22-20990413-T-A. GRCh37 (hg19) VCF-style: chr22-21344702-T-A.
Other names: short protein forms S227T.
Identifiers: ClinVar variation 3238323 (VCV003238323.1), dbSNP rs2518615697.

ClinVar aggregate classification (germline): Uncertain significance (1 of 4 stars; one submission).

Conditions:
Hereditary cancer-predisposing syndrome. Also called: Neoplastic Syndromes, Hereditary; Tumor predisposition; Hereditary neoplastic syndrome; Hereditary Cancer Syndrome. Identifiers: Orphanet 140162, MedGen C0027672, MeSH D009386, MONDO:0015356.
Cardiovascular phenotype. Identifiers: MedGen CN230736.

Submission:

Ambry Genetics
Classification: Uncertain significance for Cardiovascular phenotype; Hereditary cancer-predisposing syndrome. Last evaluated: 2023-12-18. Review status: criteria provided, single submitter. Criteria: Ambry Variant Classification Scheme 2023. Collection method: clinical testing. Allele origin: germline.
Comment: The p.S227T variant (also known as c.679T>A), located in coding exon 8 of the LZTR1 gene, results from a T to A substitution at nucleotide position 679. The serine at codon 227 is replaced by threonine, an amino acid with similar properties. This amino acid position is conserved. In addition, this alteration is predicted to be tolerated by in silico analysis. Since supporting evidence is limited at this time, the clinical significance of this alteration remains unclear.